The following is an entry in ClinVar:

NM_000089.4(COL1A2):c.2638G>A (p.Gly880Ser)

Gene: COL1A2 (collagen type I alpha 2 chain; plus strand). Cytogenetic location: 7q21.3.
Variant type: single nucleotide variant.
Coding change: c.2638G>A on transcript NM_000089.4 (MANE Select); coding-DNA position 2638, G replaced by A.
Protein change: p.Gly880Ser; replaces glycine 880 with serine.
Molecular consequence: missense variant.
Genome position (GRCh38, 1-based): chr7:94,424,408, G>A. VCF-style: chr7-94424408-G-A. GRCh37 (hg19) VCF-style: chr7-94053720-G-A.
Other names: short protein forms G880S.
Identifiers: ClinVar variation 3759119 (VCV003759119.3).

ClinVar aggregate classification (germline): Pathogenic. Review status: criteria provided, multiple submitters, no conflicts (2 of 4 stars). 2 submissions from 2 submitters: Pathogenic (2). Last evaluated 2025-07-16.

Conditions:
Osteogenesis imperfecta type I (OI1). Also called: OI, TYPE I; OSTEOGENESIS IMPERFECTA TARDA; OSTEOGENESIS IMPERFECTA WITH BLUE SCLERAE; Osteogenesis imperfecta type 1; Lobstein's Disease; Lobstein disease. Identifiers: Orphanet 216796, Orphanet 666, MedGen C0023931, MONDO:0008146, OMIM 166200. Disease mechanism: loss of function.
Ehlers-Danlos syndrome, classic type, 1 (EDSCL1). Also called: EHLERS-DANLOS SYNDROME, GRAVIS TYPE; EHLERS-DANLOS SYNDROME, SEVERE CLASSIC TYPE; Ehlers-Danlos syndrome, type 1; Ehlers-Danlos Syndrome, Classic Type, COL5A1-Related; EDS I. Identifiers: MedGen C0268335, MONDO:0019567, OMIM 130000.

Submissions (2):

Clinical Biomedical Laboratory, Shriners Hospital For Children - Canada
Classification: Pathogenic for Osteogenesis imperfecta type I. Last evaluated: 2025-07-16. Review status: criteria provided, single submitter. Criteria: ACMG Guidelines, 2015. Collection method: clinical testing. Allele origin: germline. Affected: yes.
Comment: This variant is predicted to substitute a glycine residue by a serine residue in the alpha 2 chain of collagen type I. Glycine substitutions in the triple helical domain of collagen type I alpha 2 chain cause disruption in the formation of the triple helix in the collagen molecule and are a typical cause of osteogenesis imperfecta. The variant is absent from the gnomAD v.2.1.1. database, indicating it is very rare. Prediction tools (REVEL: 1.00) suggest that the change is damaging to protein function. We have observed this variant in the Shriners Hospital for Children variant database in two unrelated individuals diagnosed with osteogenesis imperfecta type I.

Labcorp Genetics (formerly Invitae), Labcorp
Classification: Pathogenic for Osteogenesis imperfecta type I; Ehlers-Danlos syndrome, classic type, 1. Last evaluated: 2025-04-27. Review status: criteria provided, single submitter. Criteria: Invitae Variant Classification Sherloc (09022015). Collection method: clinical testing. Allele origin: germline.
Comment: This sequence change replaces glycine, which is neutral and non-polar, with serine, which is neutral and polar, at codon 880 of the COL1A2 protein (p.Gly880Ser). This variant is not present in population databases (gnomAD no frequency). This missense change has been observed in individuals with autosomal dominant osteogenesis imperfecta (PMID: 17078022). ClinVar contains an entry for this variant (Variation ID: 3759119). Invitae Evidence Modeling of protein sequence and biophysical properties (such as structural, functional, and spatial information, amino acid conservation, physicochemical variation, residue mobility, and thermodynamic stability) indicates that this missense variant is expected to disrupt COL1A2 protein function with a positive predictive value of 95%. This variant disrupts the triple helix domain of COL1A2. Glycine residues within the Gly-Xaa-Yaa repeats of the triple helix domain are required for the structure and stability of fibrillar collagens (PMID: 7695699, 8218237, 19344236). In COL1A2, variants affecting these glycine residues are significantly enriched in individuals with disease (PMID: 9016532, 17078022) compared to the general population (ExAC). For these reasons, this variant has been classified as Pathogenic.

Literature cited by the submitters: PubMed 17078022 (cited by Labcorp Genetics (formerly Invitae), Labcorp); PubMed 7695699 (cited by Labcorp Genetics (formerly Invitae), Labcorp); PubMed 8218237 (cited by Labcorp Genetics (formerly Invitae), Labcorp); PubMed 19344236 (cited by Labcorp Genetics (formerly Invitae), Labcorp); PubMed 9016532 (cited by Labcorp Genetics (formerly Invitae), Labcorp).